The following is an entry in ClinVar:

NM_198904.4(GABRG2):c.62A>G (p.Gln21Arg)

Gene: GABRG2 (gamma-aminobutyric acid type A receptor subunit gamma2; plus strand). Cytogenetic location: 5q34.
Variant type: single nucleotide variant.
Coding change: c.62A>G on transcript NM_198904.4 (MANE Select); coding-DNA position 62, A replaced by G.
Protein change: p.Gln21Arg; replaces glutamine 21 with arginine.
Molecular consequence: missense variant. On other transcripts: 5 prime UTR variant (3), splice acceptor variant (2), intron variant (1).
Genome position (GRCh38, 1-based): chr5:162,068,061, A>G. VCF-style: chr5-162068061-A-G. GRCh37 (hg19) VCF-style: chr5-161495067-A-G.
Other names: c.62A>G, p.Gln21Arg (NM_000816.3, NM_001375339.1, NM_001375340.1 and 5 more transcripts); c.-297A>G (NM_001375348.1, NM_001375350.1); c.-345A>G (NM_001375349.1); c.-3-2A>G (NM_001375346.1, NM_001375345.1); c.20+420A>G (NM_001375347.1); short protein forms Q21R.
Identifiers: ClinVar variation 3753877 (VCV003753877.3).
Genomic context (GRCh38, chr5:162,068,061, plus strand): 5'-TGAGTTCGCCAAATATATGGAGCACAGGAAGCTCAGTCTACTCGACTCCTGTATTTTCAC[A>G]GAAAATGACGGTGTGGATTCTGCTCCTGCTGTCGCTCTACCCTGGGTAAGATGTGCCCTT-3'
Protein context (NP_944494.1, residues 11-31): SSVYSTPVFS[Gln21Arg]KMTVWILLLL

ClinVar aggregate classification (germline): Uncertain significance. Review status: criteria provided, multiple submitters, no conflicts (2 of 4 stars). 2 submissions from 2 submitters: Uncertain significance (2). Last evaluated 2025-02-21.

Conditions:
Febrile seizures, familial, 8 (FEB8). Also called: CONVULSIONS, FAMILIAL FEBRILE, 8. Identifiers: Orphanet 36387, MedGen C1969810, MONDO:0011891, OMIM 607681.
EPILEPSY, CHILDHOOD ABSENCE, SUSCEPTIBILITY TO, 2 (ECA2). Identifiers: Orphanet 64280, MedGen C1843244, OMIM 607681.

Submissions (2):

GeneDx
Classification: Uncertain significance. Last evaluated: 2025-02-21. Review status: criteria provided, single submitter. Criteria: GeneDx Variant Classification Process June 2021. Collection method: clinical testing. Allele origin: germline. Affected: yes.
Comment: Not observed at significant frequency in large population cohorts (gnomAD); In silico analysis indicates that this missense variant does not alter protein structure/function; Has not been previously published as pathogenic or benign to our knowledge

Labcorp Genetics (formerly Invitae), Labcorp
Classification: Uncertain significance for Febrile seizures, familial, 8; EPILEPSY, CHILDHOOD ABSENCE, SUSCEPTIBILITY TO, 2. Last evaluated: 2024-11-21. Review status: criteria provided, single submitter. Criteria: Invitae Variant Classification Sherloc (09022015). Collection method: clinical testing. Allele origin: germline.
Comment: This sequence change replaces glutamine, which is neutral and polar, with arginine, which is basic and polar, at codon 21 of the GABRG2 protein (p.Gln21Arg). This variant is not present in population databases (gnomAD no frequency). This variant has not been reported in the literature in individuals affected with GABRG2-related conditions. Invitae Evidence Modeling of protein sequence and biophysical properties (such as structural, functional, and spatial information, amino acid conservation, physicochemical variation, residue mobility, and thermodynamic stability) indicates that this missense variant is not expected to disrupt GABRG2 protein function with a negative predictive value of 95%. In summary, the available evidence is currently insufficient to determine the role of this variant in disease. Therefore, it has been classified as a Variant of Uncertain Significance.